The following is an entry in ClinVar:

ClinVar aggregate classification (germline): Pathogenic (1 of 4 stars; one submission).

Submission:

Labcorp Genetics (formerly Invitae), Labcorp
Classification: Pathogenic. Last evaluated: 2022-06-18. Review status: criteria provided, single submitter. Criteria: Invitae Variant Classification Sherloc (09022015). Collection method: clinical testing. Allele origin: germline.
Comment: For these reasons, this variant has been classified as Pathogenic. ClinVar contains an entry for this variant (Variation ID: 1070699). This variant has not been reported in the literature in individuals affected with FAM161A-related conditions. This variant is not present in population databases (gnomAD no frequency). This sequence change creates a premature translational stop signal (p.Leu483*) in the FAM161A gene. It is expected to result in an absent or disrupted protein product. Loss-of-function variants in FAM161A are known to be pathogenic (PMID: 20705278, 20705279, 24651477).

Literature cited by the submitters: PubMed 20705278; PubMed 20705279; PubMed 24651477.

NM_001201543.2(FAM161A):c.1448del (p.Asn482_Leu483insTer)

Gene: FAM161A (FAM161 centrosomal protein A; minus strand). Cytogenetic location: 2p15.
Variant type: Deletion.
Coding change: c.1448del on transcript NM_001201543.2 (MANE Select); coding-DNA position 1448, one base deleted (T; older notation c.1448delT).
Protein change: p.Asn482_Leu483insTer.
Molecular consequence: nonsense. On other transcripts: non-coding transcript variant (1).
Genome position (GRCh38, 1-based): chr2:61,839,556, A deleted on the plus strand (T on the coding strand, the reverse complement: FAM161A is on the minus strand); the first of 3 consecutive A bases (chr2:61,839,556-61,839,558); deleting any one gives the same sequence. VCF-style (leftmost placement, unchanged base first): chr2-61839555-TA-T. GRCh37 (hg19) VCF-style: chr2-62066690-TA-T.
Other names: c.1448del, p.Asn482_Leu483insTer (NM_032180.3).
Identifiers: ClinVar variation 1070699 (VCV001070699.7), dbSNP rs2105080679, ClinGen allele CA2499216172.